The following is an entry in ClinVar:

NM_021620.4(PRDM13):c.866C>A (p.Pro289His)

Gene: PRDM13 (PR/SET domain 13; plus strand). Cytogenetic location: 6q16.2.
Variant type: single nucleotide variant.
Coding change: c.866C>A on transcript NM_021620.4 (MANE Select); coding-DNA position 866, C replaced by A.
Protein change: p.Pro289His; replaces proline 289 with histidine.
Molecular consequence: missense variant.
Genome position (GRCh38, 1-based): chr6:99,613,501, C>A. VCF-style: chr6-99613501-C-A. GRCh37 (hg19) VCF-style: chr6-100061377-C-A.
Other names: c.866C>A (NM_021620.3); short protein forms P289H.
Identifiers: ClinVar variation 1099667 (VCV001099667.12), dbSNP rs533658484, ClinGen allele CA3936290.

ClinVar aggregate classification (germline): Likely benign. Review status: criteria provided, multiple submitters, no conflicts (2 of 4 stars). 4 submissions from 4 submitters: Likely benign (4). Last evaluated 2025-10-23.

Conditions:
Inborn genetic diseases. Identifiers: MedGen C0950123, MeSH D030342.
PRDM13-related disorder. Also called: PRDM13-related condition.

Allele frequency attached by ClinVar (database versions not stated): gnomAD exomes 0.00012; gnomAD 0.00066 and 0.00072; TOPMed 0.00076; 1000 Genomes Project 0.00080; ExAC 0.00085; 1000 Genomes Project 30x 0.00094.
gnomAD v4.1: 170 of 1,519,626 alleles (0.011%); highest among the groups gnomAD compares: African/African-American, 0.23%; no homozygotes.

Submissions (4):

Labcorp Genetics (formerly Invitae), Labcorp
Classification: Likely benign. Last evaluated: 2025-10-23. Review status: criteria provided, single submitter. Criteria: Invitae Variant Classification Sherloc (09022015). Collection method: clinical testing. Allele origin: germline.

Ambry Genetics
Classification: Likely benign for Inborn genetic diseases. Last evaluated: 2025-08-28. Review status: criteria provided, single submitter. Criteria: Ambry Variant Classification Scheme 2023. Collection method: clinical testing. Allele origin: germline.

PreventionGenetics, part of Exact Sciences
Classification: Likely benign for PRDM13-related condition. Last evaluated: 2025-03-17. Review status: criteria provided, single submitter. Criteria: ACMG Guidelines, 2015. Collection method: clinical testing. Allele origin: germline.
Comment: This variant is classified as likely benign based on ACMG/AMP sequence variant interpretation guidelines (Richards et al. 2015 PMID: 25741868, with internal and published modifications).

Blueprint Genetics
Classification: Likely benign. Last evaluated: 2024-11-26. Review status: criteria provided, single submitter. Criteria: ACMG Guidelines, 2015. Collection method: clinical testing. Allele origin: germline.